The following is an entry in ClinVar:

NM_001354930.2(RIPK1):c.1322G>T (p.Ser441Ile)

Gene: RIPK1 (receptor interacting serine/threonine kinase 1; plus strand). Cytogenetic location: 6p25.2.
Variant type: single nucleotide variant.
Coding change: c.1322G>T on transcript NM_001354930.2 (MANE Select); coding-DNA position 1322, G replaced by T.
Protein change: p.Ser441Ile; replaces serine 441 with isoleucine.
Molecular consequence: missense variant.
Genome position (GRCh38, 1-based): chr6:3,105,797, G>T. VCF-style: chr6-3105797-G-T. GRCh37 (hg19) VCF-style: chr6-3106031-G-T.
Other names: c.833G>T, p.Ser278Ile (NM_001317061.3, NM_001354932.2, NM_001354933.2 and 1 more transcripts); c.1184G>T, p.Ser395Ile (NM_001354931.2); c.1322G>T, p.Ser441Ile (NM_003804.6); short protein forms S278I, S395I, S441I.
Identifiers: ClinVar variation 3004241 (VCV003004241.3), dbSNP rs772610497, ClinGen allele CA362572555.

ClinVar aggregate classification (germline): Uncertain significance (1 of 4 stars; one submission).

gnomAD v4.1: 2 of 1,614,204 alleles (0.00012%); highest among the groups gnomAD compares: Non-Finnish European, 0.00017%; no homozygotes.

Submission:

Labcorp Genetics (formerly Invitae), Labcorp
Classification: Uncertain significance. Last evaluated: 2023-03-16. Review status: criteria provided, single submitter. Criteria: Invitae Variant Classification Sherloc (09022015). Collection method: clinical testing. Allele origin: germline.
Comment: This sequence change replaces serine, which is neutral and polar, with isoleucine, which is neutral and non-polar, at codon 441 of the RIPK1 protein (p.Ser441Ile). This variant is not present in population databases (gnomAD no frequency). This variant has not been reported in the literature in individuals affected with RIPK1-related conditions. Algorithms developed to predict the effect of missense changes on protein structure and function output the following: SIFT: "Not Available"; PolyPhen-2: "Benign"; Align-GVGD: "Not Available". The isoleucine amino acid residue is found in multiple mammalian species, which suggests that this missense change does not adversely affect protein function. In summary, the available evidence is currently insufficient to determine the role of this variant in disease. Therefore, it has been classified as a Variant of Uncertain Significance.